The following is an entry in ClinVar:

ClinVar aggregate classification (germline): Likely benign (0 of 4 stars; one submission).

Conditions:
DAAM2-related disorder. Also called: DAAM2-related condition.

gnomAD v4.1: 1 of 1,613,342 alleles (0.000062%); highest among the groups gnomAD compares: East Asian, 0.0022%; no homozygotes.

Submission:

PreventionGenetics, part of Exact Sciences
Classification: Likely benign for DAAM2-related condition. Last evaluated: 2023-03-23. Review status: no assertion criteria provided. Collection method: clinical testing. Allele origin: germline.
Comment: This variant is classified as likely benign based on ACMG/AMP sequence variant interpretation guidelines (Richards et al. 2015 PMID: 25741868, with internal and published modifications).

NM_001201427.2(DAAM2):c.1735C>T (p.Leu579=)

Gene: DAAM2 (dishevelled associated activator of morphogenesis 2; plus strand). Cytogenetic location: 6p21.2.
Variant type: single nucleotide variant.
Coding change: c.1735C>T on transcript NM_001201427.2 (MANE Select); coding-DNA position 1735, C replaced by T.
Protein change: p.Leu579=; no amino-acid change (leucine 579 retained).
Molecular consequence: synonymous variant.
Genome position (GRCh38, 1-based): chr6:39,879,367, C>T. VCF-style: chr6-39879367-C-T. GRCh37 (hg19) VCF-style: chr6-39847143-C-T.
Other names: c.1735C>T, p.Leu579= (NM_015345.4).
Identifiers: ClinVar variation 3050344 (VCV003050344.2), dbSNP rs2481856192, ClinGen allele CA450350544.
Genomic context (GRCh38, chr6:39,879,367, plus strand): 5'-CCCCTTCCTCCCGGGGGACCCCCGACTCCCCCAGGTGCCCCACCTTGCCTCGGCATGGGC[C>T]TGCCCCTCCCTCAGGACCCCTACCCCAGCAGTGACGTCCCACTCAGGAAAAAGCGTGTCC-3'
Protein context (NP_001188356.1, residues 569-589): PGAPPCLGMG[Leu579=]PLPQDPYPSS